The following is an entry in ClinVar:

ClinVar aggregate classification (germline): Pathogenic (1 of 4 stars; one submission).

Conditions:
Primary ciliary dyskinesia 3. Identifiers: Orphanet 244, MedGen C1837618, MONDO:0012085, OMIM 608644.

gnomAD v4.1: 1 of 1,613,894 alleles (0.000062%); highest among the groups gnomAD compares: East Asian, 0.0022%; no homozygotes.

Submission:

Myriad Genetics, Inc.
Classification: Pathogenic for Primary ciliary dyskinesia 3. Last evaluated: 2024-01-15. Review status: criteria provided, single submitter. Criteria: Myriad Autosomal Dominant, Autosomal Recessive and X-Linked Classification Criteria (2023). Collection method: clinical testing. Allele origin: unknown.
Comment: NM_001369.2(DNAH5):c.6128C>A(S2043*) is expected to be pathogenic in the context of primary ciliary dyskinesia, DNAH5-related. This variant is predicted to lead to an abnormal or absent protein product due to the creation of a premature termination codon in DNAH5, a gene where loss-of-function variants are known to be pathogenic. Please note: this variant was assessed in the context of healthy population screening.

NM_001369.3(DNAH5):c.6128C>A (p.Ser2043Ter)

Gene: DNAH5 (dynein axonemal heavy chain 5; minus strand). Cytogenetic location: 5p15.2.
Variant type: single nucleotide variant.
Coding change: c.6128C>A on transcript NM_001369.3 (MANE Select); coding-DNA position 6128, C replaced by A.
Protein change: p.Ser2043Ter; replaces serine 2043 with a stop codon.
Molecular consequence: nonsense.
Genome position (GRCh38, 1-based): chr5:13,830,147, G>T on the plus strand (C>A on the coding strand, the complement: DNAH5 is on the minus strand). VCF-style: chr5-13830147-G-T. GRCh37 (hg19) VCF-style: chr5-13830256-G-T.
Other names: short protein forms S2043*.
Identifiers: ClinVar variation 5012652 (VCV005012652.1).